The following is an entry in ClinVar:

NM_006005.3(WFS1):c.1910T>C (p.Leu637Pro)

Gene: WFS1 (wolframin ER transmembrane glycoprotein; plus strand). Cytogenetic location: 4p16.1.
Variant type: single nucleotide variant.
Coding change: c.1910T>C on transcript NM_006005.3 (MANE Select); coding-DNA position 1910, T replaced by C.
Protein change: p.Leu637Pro; replaces leucine 637 with proline.
Molecular consequence: missense variant.
Genome position (GRCh38, 1-based): chr4:6,301,705, T>C. VCF-style: chr4-6301705-T-C. GRCh37 (hg19) VCF-style: chr4-6303432-T-C.
Other names: c.1910T>C, p.Leu637Pro (NM_001145853.1); short protein forms L637P.
Identifiers: ClinVar variation 1318843 (VCV001318843.2), dbSNP rs2109126718, ClinGen allele CA356177083.
Genomic context (GRCh38, chr4:6,301,705, plus strand): 5'-GCTTCTCTGTGGTGGGGATGGTGAAGTCCCTGACGCGGAGCTCCATGGTCAAGCTCATCC[T>C]GGTGTGGCTCACGGCCATCGTGCTGTTCTGCTGGTTCTATGTGTACCGCTCAGAGGGCAT-3'
Protein context (NP_005996.2, residues 627-647): LTRSSMVKLI[Leu637Pro]VWLTAIVLFC

ClinVar aggregate classification (germline): Uncertain significance (1 of 4 stars; one submission).

Submission:

GeneDx
Classification: Uncertain significance. Last evaluated: 2019-08-16. Review status: criteria provided, single submitter. Criteria: GeneDx Variant Classification Process June 2021. Collection method: clinical testing. Allele origin: germline. Affected: yes.
Comment: Not observed in large population cohorts (Lek et al., 2016); In silico analysis, which includes protein predictors and evolutionary conservation, supports a deleterious effect; Has not been previously published as pathogenic or benign to our knowledge